The following is an entry in ClinVar:

ClinVar aggregate classification (germline): Conflicting classifications of pathogenicity. Review status: criteria provided, conflicting classifications (1 of 4 stars). 7 submissions from 6 submitters: Uncertain significance (2); Likely benign (4). 1 of the submissions does not count toward it. Last evaluated 2025-08-01.

Conditions:
Congenital bilateral aplasia of vas deferens from CFTR mutation (CBAVD). Identifiers: Orphanet 48, MedGen C0403814, MONDO:0010178, OMIM 277180. Disease mechanism: loss of function.
Cystic fibrosis (CF). Also called: MUCOVISCIDOSIS. Identifiers: Orphanet 586, MedGen C0010674, MONDO:0009061, OMIM 219700. Disease mechanism: loss of function.

Allele frequency attached by ClinVar (database versions not stated): ExAC 0.00001; gnomAD exomes 0.00002; TOPMed 0.00011; gnomAD 0.00012 and 0.00013; 1000 Genomes Project 30x 0.00016; 1000 Genomes Project 0.00020.
gnomAD v4.1: 24 of 1,448,450 alleles (0.0017%); highest among the groups gnomAD compares: African/African-American, 0.032%; no homozygotes.

Submissions (7):

Labcorp Genetics (formerly Invitae), Labcorp
Classification: Likely benign for Cystic fibrosis. Last evaluated: 2025-08-01. Review status: criteria provided, single submitter. Criteria: Invitae Variant Classification Sherloc (09022015). Collection method: clinical testing. Allele origin: germline.

ARUP Laboratories, Molecular Genetics and Genomics, ARUP Laboratories
Classification: Likely benign. Last evaluated: 2025-02-07. Review status: criteria provided, single submitter. Criteria: ARUP Molecular Germline Variant Investigation Process 2024. Collection method: clinical testing. Allele origin: germline.

Women's Health and Genetics/Laboratory Corporation of America, LabCorp
Classification: Likely benign. Last evaluated: 2025-01-06. Review status: criteria provided, single submitter. Criteria: LabCorp Variant Classification Summary - May 2015. Collection method: clinical testing. Allele origin: germline.
Comment: Variant summary: CFTR c.1679+16T>C alters a non-conserved nucleotide located at a position not widely known to affect splicing. Consensus agreement among computation tools predict no significant impact on normal splicing. However, these predictions have yet to be confirmed by functional studies. The variant allele was found at a frequency of 2e-05 in 249780 control chromosomes. The available data on variant occurrences in the general population are insufficient to allow any conclusion about variant significance. To our knowledge, no occurrence of c.1679+16T>C in individuals affected with Chronic Pancreatitis Risk and no experimental evidence demonstrating its impact on protein function have been reported. ClinVar contains an entry for this variant (Variation ID: 53333). Based on the evidence outlined above, the variant was classified as likely benign.

Genome-Nilou Lab
Classification: Uncertain significance for Cystic fibrosis. Last evaluated: 2021-07-22. Review status: criteria provided, single submitter. Criteria: ACMG Guidelines, 2015. Collection method: clinical testing. Allele origin: germline. Affected: no.

Genome-Nilou Lab
Classification: Uncertain significance for Congenital bilateral aplasia of vas deferens from CFTR mutation. Last evaluated: 2021-07-22. Review status: criteria provided, single submitter. Criteria: ACMG Guidelines, 2015. Collection method: clinical testing. Allele origin: germline. Affected: no.

Blueprint Genetics
Classification: Likely benign. Last evaluated: 2018-12-11. Review status: criteria provided, single submitter. Criteria: ACMG Guidelines, 2015. Collection method: clinical testing. Allele origin: germline.

Counsyl
Classification: Uncertain significance for Cystic fibrosis. Last evaluated: 2017-07-24. Review status: no assertion criteria provided. Collection method: clinical testing. Allele origin: unknown. Not counted in ClinVar's aggregate classification.

NM_000492.4(CFTR):c.1679+16T>C

Genes: CFTR (CF transmembrane conductance regulator; plus strand), LOC111674475 (CFTR intron 11 enhancer; plus strand). Cytogenetic location: 7q31.2.
Variant type: single nucleotide variant.
Coding change: c.1679+16T>C on transcript NM_000492.4 (MANE Select); 16 bases into the intron after coding-DNA position 1679, T replaced by C.
Molecular consequence: intron variant.
Genome position (GRCh38, 1-based): chr7:117,587,849, T>C. VCF-style: chr7-117587849-T-C. GRCh37 (hg19) VCF-style: chr7-117227903-T-C.
Identifiers: ClinVar variation 53333 (VCV000053333.21), dbSNP rs397508262, ClinGen allele CA326599.